The following is an entry in ClinVar:

NM_058216.3(RAD51C):c.507G>A (p.Val169=)

Gene: RAD51C (RAD51 paralog C; plus strand). Cytogenetic location: 17q22.
Variant type: single nucleotide variant.
Coding change: c.507G>A on transcript NM_058216.3 (MANE Select); coding-DNA position 507, G replaced by A.
Protein change: p.Val169=; no amino-acid change (valine 169 retained).
Molecular consequence: synonymous variant.
Genome position (GRCh38, 1-based): chr17:58,696,795, G>A. VCF-style: chr17-58696795-G-A. GRCh37 (hg19) VCF-style: chr17-56774156-G-A.
Identifiers: ClinVar variation 3903785 (VCV003903785.2).
Genomic context (GRCh38, chr17:58,696,795, plus strand): 5'-AGGAGTGGCAGGTGAAGCAGTTTTTATTGATACAGAGGGAAGTTTTATGGTTGATAGAGT[G>A]GTAGACCTTGCTACTGCCTGCATTCAGCACCTTCAGCTTATAGCAGAAAAACACAAGGGA-3'
Protein context (NP_478123.1, residues 159-179): DTEGSFMVDR[Val169=]VDLATACIQH

ClinVar aggregate classification (germline): Benign/Likely benign. Review status: criteria provided, multiple submitters, no conflicts (2 of 4 stars). 2 submissions from 2 submitters: Benign (1); Likely benign (1). Last evaluated 2026-08-18.

Conditions:
Breast-ovarian cancer, familial, susceptibility to, 3. Also called: RAD51C-Related Breast/Ovarian Cancer. Identifiers: Orphanet 145, MedGen C3150659, MONDO:0013253, OMIM 613399.
Hereditary cancer-predisposing syndrome. Also called: Hereditary Cancer Syndrome; Hereditary neoplastic syndrome; Neoplastic Syndromes, Hereditary; Tumor predisposition. Identifiers: Orphanet 140162, MedGen C0027672, MeSH D009386, MONDO:0015356.

gnomAD v4.1: 1 of 1,614,018 alleles (0.000062%); highest among the groups gnomAD compares: Non-Finnish European, 0.000085%; no homozygotes.

Submissions (2):

Ambry Genetics
Classification: Likely benign for Hereditary cancer-predisposing syndrome. Last evaluated: 2026-08-18. Review status: criteria provided, single submitter. Criteria: Ambry Variant Classification Scheme 2023. Collection method: clinical testing. Allele origin: germline.

Myriad Genetics, Inc.
Classification: Benign for Breast-ovarian cancer, familial, susceptibility to, 3. Last evaluated: 2025-02-18. Review status: criteria provided, single submitter. Criteria: Myriad Autosomal Dominant, Autosomal Recessive and X-Linked Classification Criteria (2023). Collection method: clinical testing. Allele origin: unknown.
Comment: This variant is considered benign. This variant is a silent/synonymous amino acid change and it is not expected to impact splicing.